The following is an entry in ClinVar:

NM_000548.5(TSC2):c.3682C>A (p.Leu1228Met)

Gene: TSC2 (TSC complex subunit 2; plus strand). Cytogenetic location: 16p13.3.
Variant type: single nucleotide variant.
Coding change: c.3682C>A on transcript NM_000548.5 (MANE Select); coding-DNA position 3682, C replaced by A.
Protein change: p.Leu1228Met; replaces leucine 1228 with methionine.
Molecular consequence: missense variant.
Genome position (GRCh38, 1-based): chr16:2,081,666, C>A. VCF-style: chr16-2081666-C-A. GRCh37 (hg19) VCF-style: chr16-2131667-C-A.
Other names: c.3682C>A (NM_000548.3); c.3550C>A, p.Leu1184Met (NM_001077183.3, NM_001370404.1); c.3682C>A, p.Leu1228Met (NM_001114382.3); c.3442C>A, p.Leu1148Met (NM_001318827.2); c.3406C>A, p.Leu1136Met (NM_001318829.2); c.2950C>A, p.Leu984Met (NM_001318831.2); c.3583C>A, p.Leu1195Met (NM_001318832.2); c.3553C>A, p.Leu1185Met (NM_001363528.2, NM_001370405.1, NM_021055.3); short protein forms L1136M, L1148M, L1184M, L1185M, L1195M, L1228M, L984M.
Identifiers: ClinVar variation 1050887 (VCV001050887.11), dbSNP rs938124834, ClinGen allele CA394292351.
Genomic context (GRCh38, chr16:2,081,666, plus strand): 5'-TGGCTGATGAGCCTGGAGAACCCGCTCAGCCCTTTCTCCTCGGACATCAACAACATGCCC[C>A]TGCAGGAGCTGTCTAACGCCCTCATGGCGGCTGAGCGCTTCAAGGAGCACCGGGACACAG-3'
Protein context (NP_000539.2, residues 1218-1238): PFSSDINNMP[Leu1228Met]QELSNALMAA

ClinVar aggregate classification (germline): Uncertain significance. Review status: criteria provided, multiple submitters, no conflicts (2 of 4 stars). 4 submissions from 4 submitters: Uncertain significance (4). Last evaluated 2025-03-01.

Conditions:
Isolated focal cortical dysplasia type II (FCORD2). Also called: CORTICAL DYSPLASIA OF TAYLOR; Focal cortical dysplasia type II. Identifiers: Orphanet 268994, MedGen C1846385, MONDO:0011818, OMIM 607341, HP:0032051.
Lymphangiomyomatosis (LAM). Also called: Lymphangioleiomyomatosis, somatic; Lymphangioleiomyomatosis. Identifiers: Orphanet 538, MedGen C0751674, MONDO:0011705, OMIM 606690.
Tuberous sclerosis 2 (TSC2). Identifiers: Orphanet 805, MedGen C1860707, MONDO:0013199, OMIM 613254.
Hereditary cancer-predisposing syndrome. Also called: Hereditary Cancer Syndrome; Tumor predisposition; Hereditary neoplastic syndrome; Neoplastic Syndromes, Hereditary. Identifiers: Orphanet 140162, MedGen C0027672, MeSH D009386, MONDO:0015356.
Tuberous sclerosis syndrome (TSC). Also called: Tuberous Sclerosis Complex; Tuberous sclerosis. Identifiers: Orphanet 805, MedGen C0041341, MONDO:0001734.

Submissions (4):

Ambry Genetics
Classification: Uncertain significance for Hereditary cancer-predisposing syndrome. Last evaluated: 2025-03-01. Review status: criteria provided, single submitter. Criteria: Ambry Variant Classification Scheme 2023. Collection method: clinical testing. Allele origin: germline.
Comment: The p.L1228M variant (also known as c.3682C>A), located in coding exon 30 of the TSC2 gene, results from a C to A substitution at nucleotide position 3682. The leucine at codon 1228 is replaced by methionine, an amino acid with highly similar properties. This amino acid position is conserved. In addition, the in silico prediction for this alteration is inconclusive. Based on the available evidence, the clinical significance of this variant remains unclear.

Labcorp Genetics (formerly Invitae), Labcorp
Classification: Uncertain significance for Tuberous sclerosis 2. Last evaluated: 2025-01-12. Review status: criteria provided, single submitter. Criteria: Invitae Variant Classification Sherloc (09022015). Collection method: clinical testing. Allele origin: germline.
Comment: This sequence change replaces leucine, which is neutral and non-polar, with methionine, which is neutral and non-polar, at codon 1228 of the TSC2 protein (p.Leu1228Met). This variant is not present in population databases (gnomAD no frequency). This variant has not been reported in the literature in individuals affected with TSC2-related conditions. ClinVar contains an entry for this variant (Variation ID: 1050887). Invitae Evidence Modeling of protein sequence and biophysical properties (such as structural, functional, and spatial information, amino acid conservation, physicochemical variation, residue mobility, and thermodynamic stability) indicates that this missense variant is not expected to disrupt TSC2 protein function with a negative predictive value of 95%. In summary, the available evidence is currently insufficient to determine the role of this variant in disease. Therefore, it has been classified as a Variant of Uncertain Significance.

Fulgent Genetics
Classification: Uncertain significance for Lymphangiomyomatosis; Isolated focal cortical dysplasia type II; Tuberous sclerosis 2. Last evaluated: 2024-05-25. Review status: criteria provided, single submitter. Criteria: ACMG Guidelines, 2015. Collection method: clinical testing. Allele origin: germline.

All of Us Research Program, National Institutes of Health
Classification: Uncertain significance for Tuberous sclerosis syndrome. Last evaluated: 2024-05-14. Review status: criteria provided, single submitter. Criteria: ACMG Guidelines, 2015. Collection method: clinical testing. Allele origin: germline. Inheritance: Autosomal dominant inheritance. Observed: 1 variant allele, 1 heterozygote.
Comment: This missense variant replaces leucine with methionine at codon 1228 of the TSC2 protein. Computational prediction is inconclusive regarding the impact of this variant on protein structure and function. To our knowledge, functional studies have not been reported for this variant. This variant has not been reported in individuals affected with tuberous sclerosis complex in the literature. This variant has not been identified in the general population by the Genome Aggregation Database (gnomAD). The available evidence is insufficient to determine the role of this variant in disease conclusively. Therefore, this variant is classified as a Variant of Uncertain Significance.

This study involves interpretation of variants in research participants for the purpose of population health screening. Participant phenotype was not available at the time of variant classification. Additional details can be found in publication PMID: 35346344, PMCID: PMC8962531